The following is an entry in ClinVar:

ClinVar aggregate classification (germline): Likely pathogenic (1 of 4 stars; one submission).

Conditions:
Familial hypokalemia-hypomagnesemia (GTLMNS). Also called: gitelman syndrome; HYPOMAGNESEMIA-HYPOKALEMIA, PRIMARY RENOTUBULAR, WITH HYPOCALCIURIA; POTASSIUM AND MAGNESIUM DEPLETION. Identifiers: Orphanet 358, MedGen C0268450, MONDO:0009904, OMIM 263800.

Allele frequency attached by ClinVar (database versions not stated): gnomAD exomes below 0.00001; TOPMed below 0.00001.
gnomAD v4.1: 1 of 1,612,320 alleles (0.000062%); highest among the groups gnomAD compares: Non-Finnish European, 0.000085%; no homozygotes.

Submission:

European Hospital Georges Pompidou Genetics Department, Assistance Publique - Hôpitaux de Paris AP-HP
Classification: Likely pathogenic for Familial hypokalemia-hypomagnesemia. Last evaluated: 2022-04-27. Review status: criteria provided, single submitter. Criteria: ACMG Guidelines, 2015. Collection method: clinical testing, in vitro. Allele origin: germline. Affected: yes.
Comment: ACMG criteria used:PS3 PM2 PP3

NM_001126108.2(SLC12A3):c.602-11T>A

Gene: SLC12A3 (solute carrier family 12 member 3; plus strand). Cytogenetic location: 16q13.
Variant type: single nucleotide variant.
Coding change: c.602-11T>A on transcript NM_001126108.2 (MANE Select); 11 bases into the intron before coding-DNA position 602, T replaced by A.
Molecular consequence: intron variant.
Genome position (GRCh38, 1-based): chr16:56,870,085, T>A. VCF-style: chr16-56870085-T-A. GRCh37 (hg19) VCF-style: chr16-56903997-T-A.
Other names: c.602-11T>A (NM_000339.3); c.599-11T>A (NM_001126107.2).
Identifiers: ClinVar variation 1684188 (VCV001684188.1), dbSNP rs2055071198, ClinGen allele CA2224349257.